The following is an entry in ClinVar:

NM_133259.4(LRPPRC):c.4177T>G (p.Ser1393Ala)

Gene: LRPPRC (leucine rich pentatricopeptide repeat containing; minus strand). Cytogenetic location: 2p21.
Variant type: single nucleotide variant.
Coding change: c.4177T>G on transcript NM_133259.4 (MANE Select); coding-DNA position 4177, T replaced by G.
Protein change: p.Ser1393Ala; replaces serine 1393 with alanine.
Molecular consequence: missense variant.
Genome position (GRCh38, 1-based): chr2:43,888,608, A>C on the plus strand (T>G on the coding strand, the complement: LRPPRC is on the minus strand). VCF-style: chr2-43888608-A-C. GRCh37 (hg19) VCF-style: chr2-44115747-A-C.
Other names: short protein forms S1393A.
Identifiers: ClinVar variation 336143 (VCV000336143.8), dbSNP rs139493671, ClinGen allele CA1637771.

ClinVar aggregate classification (germline): Uncertain significance. Review status: criteria provided, multiple submitters, no conflicts (2 of 4 stars). 3 submissions from 3 submitters: Uncertain significance (3). Last evaluated 2026-03-31.

Conditions:
Congenital lactic acidosis, Saguenay-Lac-Saint-Jean type (MC4DN5). Also called: MITOCHONDRIAL COMPLEX IV DEFICIENCY, NUCLEAR TYPE 5; CYTOCHROME c OXIDASE DEFICIENCY, FRENCH CANADIAN TYPE; COX DEFICIENCY, FRENCH CANADIAN TYPE. Identifiers: Orphanet 70472, MedGen C1857355, MONDO:0009069, OMIM 220111.

Allele frequency attached by ClinVar (database versions not stated): gnomAD 0.00004; gnomAD exomes 0.00006 and 0.00009; TOPMed 0.00006; ExAC 0.00011; ESP Exome Variant Server 0.00015.
gnomAD v4.1: 95 of 1,589,314 alleles (0.006%); highest among the groups gnomAD compares: Non-Finnish European, 0.0048%; no homozygotes.

Submissions (3):

GeneDx
Classification: Uncertain significance. Last evaluated: 2026-03-31. Review status: criteria provided, single submitter. Criteria: GeneDx Variant Classification Process June 2021. Collection method: clinical testing. Allele origin: germline.
Comment: In silico analysis suggests that this missense variant does not alter protein structure/function; Has not been previously published as pathogenic or benign to our knowledge

Fulgent Genetics
Classification: Uncertain significance for Congenital lactic acidosis, Saguenay-Lac-Saint-Jean type. Last evaluated: 2022-05-17. Review status: criteria provided, single submitter. Criteria: ACMG Guidelines, 2015. Collection method: clinical testing. Allele origin: unknown.

Illumina Laboratory Services, Illumina
Classification: Uncertain significance for Congenital lactic acidosis, Saguenay-Lac-Saint-Jean type. Last evaluated: 2018-01-13. Review status: criteria provided, single submitter. Criteria: ICSL Variant Classification Criteria 13 December 2019. Collection method: clinical testing. Allele origin: germline.